The following is an entry in ClinVar:

ClinVar aggregate classification (germline): Uncertain significance. Review status: criteria provided, multiple submitters, no conflicts (2 of 4 stars). 3 submissions from 3 submitters: Uncertain significance (3). Last evaluated 2025-08-26.

Conditions:
Inborn genetic diseases. Identifiers: MedGen C0950123, MeSH D030342.

Allele frequency attached by ClinVar (database versions not stated): gnomAD exomes below 0.00001; TOPMed below 0.00001; gnomAD 0.00001.
gnomAD v4.1: 10 of 1,613,812 alleles (0.00062%); highest among the groups gnomAD compares: African/African-American, 0.0013%; no homozygotes.

Submissions (3):

Ambry Genetics
Classification: Uncertain significance for Inborn genetic diseases. Last evaluated: 2025-08-26. Review status: criteria provided, single submitter. Criteria: Ambry Variant Classification Scheme 2023. Collection method: clinical testing. Allele origin: germline.

Labcorp Genetics (formerly Invitae), Labcorp
Classification: Uncertain significance. Last evaluated: 2022-08-09. Review status: criteria provided, single submitter. Criteria: Invitae Variant Classification Sherloc (09022015). Collection method: clinical testing. Allele origin: germline.
Comment: This sequence change replaces aspartic acid, which is acidic and polar, with asparagine, which is neutral and polar, at codon 17 of the PDE6B protein (p.Asp17Asn). This variant is present in population databases (no rsID available, gnomAD 0.003%). This variant has not been reported in the literature in individuals affected with PDE6B-related conditions. ClinVar contains an entry for this variant (Variation ID: 1499587). Algorithms developed to predict the effect of missense changes on protein structure and function (SIFT, PolyPhen-2, Align-GVGD) all suggest that this variant is likely to be tolerated. In summary, the available evidence is currently insufficient to determine the role of this variant in disease. Therefore, it has been classified as a Variant of Uncertain Significance.

Blueprint Genetics
Classification: Uncertain significance. Last evaluated: 2021-12-06. Review status: criteria provided, single submitter. Criteria: ACMG Guidelines, 2015. Collection method: clinical testing. Allele origin: germline.

NM_000283.4(PDE6B):c.49G>A (p.Asp17Asn)

Gene: PDE6B (phosphodiesterase 6B; plus strand). Cytogenetic location: 4p16.3.
Variant type: single nucleotide variant.
Coding change: c.49G>A on transcript NM_000283.4 (MANE Select); coding-DNA position 49, G replaced by A.
Protein change: p.Asp17Asn; replaces aspartic acid 17 with asparagine.
Molecular consequence: missense variant.
Genome position (GRCh38, 1-based): chr4:625,675, G>A. VCF-style: chr4-625675-G-A. GRCh37 (hg19) VCF-style: chr4-619464-G-A.
Other names: c.49G>A, p.Asp17Asn (NM_001145291.2); c.49G>A (NM_000283.3); short protein forms D17N.
Identifiers: ClinVar variation 1499587 (VCV001499587.8), dbSNP rs866891056, ClinGen allele CA91051729.